The following is an entry in ClinVar:

NM_005592.4(MUSK):c.225C>T (p.Tyr75=)

Gene: MUSK (muscle associated receptor tyrosine kinase; plus strand). Cytogenetic location: 9q31.3.
Variant type: single nucleotide variant.
Coding change: c.225C>T on transcript NM_005592.4 (MANE Select); coding-DNA position 225, C replaced by T.
Protein change: p.Tyr75=; no amino-acid change (tyrosine 75 retained).
Molecular consequence: synonymous variant.
Genome position (GRCh38, 1-based): chr9:110,687,135, C>T. VCF-style: chr9-110687135-C-T. GRCh37 (hg19) VCF-style: chr9-113449415-C-T.
Other names: c.225C>T, p.Tyr75= (NM_001166280.2, NM_001166281.2).
Identifiers: ClinVar variation 129632 (VCV000129632.22), dbSNP rs56130155, ClinGen allele CA153739.

ClinVar aggregate classification (germline): Benign/Likely benign. Review status: criteria provided, multiple submitters, no conflicts (2 of 4 stars). 7 submissions from 7 submitters: Benign (4); Likely benign (2). 1 of the submissions does not count toward it. Last evaluated 2026-01-31.

Conditions:
Fetal akinesia deformation sequence 1 (FADS1). Also called: Pena-Shokeir syndrome type I; Fetal akinesia sequence. Identifiers: Orphanet 994, MedGen C1276035, MONDO:0100101, OMIM 208150, HP:0001989.
Congenital myasthenic syndrome 9. Also called: Myasthenic syndrome, congenital, 9, associated with acetylcholine receptor deficiency. Identifiers: Orphanet 590, MedGen C4225368, MONDO:0014587, OMIM 616325.

Allele frequency attached by ClinVar (database versions not stated): ExAC 0.00649; gnomAD 0.02139 and 0.02312; ESP Exome Variant Server 0.02168; TOPMed 0.02461; gnomAD exomes 0.00524 and 0.00205; 1000 Genomes Project 0.02017; 1000 Genomes Project 30x 0.02202.
gnomAD v4.1: 6,386 of 1,613,314 alleles (0.4%); highest among the groups gnomAD compares: African/African-American, 7.6%; 256 homozygotes.

Submissions (7):

Labcorp Genetics (formerly Invitae), Labcorp
Classification: Benign for Congenital myasthenic syndrome 9; Fetal akinesia deformation sequence 1. Last evaluated: 2026-01-31. Review status: criteria provided, single submitter. Criteria: Invitae Variant Classification Sherloc (09022015). Collection method: clinical testing. Allele origin: germline.

Athena Diagnostics
Classification: Benign. Last evaluated: 2020-08-19. Review status: criteria provided, single submitter. Criteria: Athena Diagnostics Criteria. Collection method: clinical testing. Allele origin: unknown.

Illumina Laboratory Services, Illumina
Classification: Benign for Congenital myasthenic syndrome 9. Last evaluated: 2018-01-12. Review status: criteria provided, single submitter. Criteria: ICSL Variant Classification Criteria 13 December 2019. Collection method: clinical testing. Allele origin: germline.
Comment: This variant was observed in the ICSL laboratory as part of a predisposition screen in an ostensibly healthy population. It had not been previously curated by ICSL or reported in the Human Gene Mutation Database (HGMD: prior to June 1st, 2018), and was therefore a candidate for classification through an automated scoring system. Utilizing variant allele frequency, disease prevalence and penetrance estimates, and inheritance mode, an automated score was calculated to assess if this variant is too frequent to cause the disease. Based on the score and internal cut-off values, a variant classified as benign is not then subjected to further curation. The score for this variant resulted in a classification of benign for this disease.

GeneDx
Classification: Benign. Last evaluated: 2017-08-30. Review status: criteria provided, single submitter. Criteria: GeneDx Variant Classification (06012015). Collection method: clinical testing. Allele origin: germline. Affected: yes.
Comment: This variant is considered likely benign or benign based on one or more of the following criteria: it is a conservative change, it occurs at a poorly conserved position in the protein, it is predicted to be benign by multiple in silico algorithms, and/or has population frequency not consistent with disease.

Breakthrough Genomics
Classification: Likely benign. Review status: criteria provided, single submitter. Criteria: ACMG Guidelines, 2015. Collection method: not provided. Allele origin: germline. Inheritance: Autosomal recessive inheritance. Affected: yes.

PreventionGenetics, part of Exact Sciences
Classification: Likely benign. Review status: criteria provided, single submitter. Criteria: ACMG Guidelines, 2015. Collection method: clinical testing. Allele origin: germline.

Genetic Services Laboratory, University of Chicago
Classification: Likely benign for AllHighlyPenetrant. Review status: no assertion criteria provided. Collection method: clinical testing. Allele origin: germline. Inheritance: Autosomal recessive inheritance. Not counted in ClinVar's aggregate classification.
Comment: Likely benign based on allele frequency in 1000 Genomes Project or ESP global frequency and its presence in a patient with a rare or unrelated disease phenotype. NOT Sanger confirmed.